The following is an entry in ClinVar:

ClinVar aggregate classification (germline): Uncertain significance (1 of 4 stars; one submission).

Submission:

GeneDx
Classification: Uncertain significance. Last evaluated: 2026-02-04. Review status: criteria provided, single submitter. Criteria: GeneDx Variant Classification Process June 2021. Collection method: clinical testing. Allele origin: germline.
Comment: Not observed at significant frequency in large population cohorts (gnomAD); In silico analysis suggests that this missense variant does not alter protein structure/function; Has not been previously published as pathogenic or benign to our knowledge

NM_014516.4(CNOT3):c.1642G>C (p.Glu548Gln)

Gene: CNOT3 (CCR4-NOT transcription complex subunit 3; plus strand). Cytogenetic location: 19q13.42.
Variant type: single nucleotide variant.
Coding change: c.1642G>C on transcript NM_014516.4 (MANE Select); coding-DNA position 1642, G replaced by C.
Protein change: p.Glu548Gln; replaces glutamic acid 548 with glutamine.
Molecular consequence: missense variant. On other transcripts: non-coding transcript variant (2).
Genome position (GRCh38, 1-based): chr19:54,152,262, G>C. VCF-style: chr19-54152262-G-C. GRCh37 (hg19) VCF-style: chr19-54655999-G-C.
Other names: c.1645G>C, p.Glu549Gln (NM_001440653.1, NM_001440655.1, NM_001440657.1 and 3 more transcripts); c.1642G>C, p.Glu548Gln (NM_001440654.1, NM_001440656.1, NM_001440658.1 and 1 more transcripts); c.1099G>C, p.Glu367Gln (NM_001440659.1, NM_001440660.1); short protein forms E367Q, E548Q, E549Q.
Identifiers: ClinVar variation 4976230 (VCV004976230.1).